The following is an entry in ClinVar:

ClinVar aggregate classification (germline): Benign/Likely benign. Review status: criteria provided, multiple submitters, no conflicts (2 of 4 stars). 4 submissions from 4 submitters: Benign (3); Likely benign (1). Last evaluated 2026-02-01.

Conditions:
Axenfeld-Rieger syndrome type 3 (RIEG3). Also called: AXENFELD-RIEGER ANOMALY WITH CARDIAC DEFECTS AND/OR SENSORINEURAL HEARING LOSS. Identifiers: Orphanet 782, MedGen C2678503, MONDO:0011233, OMIM 602482.

Submissions (4):

Labcorp Genetics (formerly Invitae), Labcorp
Classification: Benign for Axenfeld-Rieger syndrome type 3. Last evaluated: 2026-02-01. Review status: criteria provided, single submitter. Criteria: Invitae Variant Classification Sherloc (09022015). Collection method: clinical testing. Allele origin: germline.

Blueprint Genetics
Classification: Benign. Last evaluated: 2024-11-26. Review status: criteria provided, single submitter. Criteria: ACMG Guidelines, 2015. Collection method: clinical testing. Allele origin: germline.

GeneDx
Classification: Likely benign. Last evaluated: 2021-10-20. Review status: criteria provided, single submitter. Criteria: GeneDx Variant Classification Process June 2021. Collection method: clinical testing. Allele origin: germline. Affected: yes.
Comment: See Variant Classification Assertion Criteria.

Eurofins Ntd Llc (ga)
Classification: Benign. Last evaluated: 2016-03-15. Review status: criteria provided, single submitter. Criteria: EGL Classification Definitions 2015. Collection method: clinical testing. Allele origin: germline. Observed: 4 variant alleles, 4 heterozygotes.

NM_001453.3(FOXC1):c.1338CGG[7] (p.Gly456del)

Gene: FOXC1 (forkhead box C1; plus strand). Cytogenetic location: 6p25.3.
Variant type: Microsatellite.
Coding change: c.1338CGG[7] on transcript NM_001453.3 (MANE Select); seven copies in a row of the 3-base unit CGG starting at c.1338; the reference has eight copies in a row; one copy, 3 bases deleted.
Protein change: p.Gly456del; deletes glycine 456.
Molecular consequence: inframe deletion.
Genome position (GRCh38, 1-based): chr6:1,611,804-1,611,806, CGG deleted; deleting any 3 consecutive bases within chr6:1,611,783-1,611,806 gives the same sequence; the position shown is the placement nearest the transcript's 3' end. VCF-style (leftmost placement, unchanged base first): chr6-1611782-ACGG-A. GRCh37 (hg19) VCF-style: chr6-1612017-ACGG-A.
Other names: short protein forms G456del.
Identifiers: ClinVar variation 193212 (VCV000193212.18), dbSNP rs398123612, ClinGen allele CA238724.